The following is an entry in ClinVar:

NM_001245.7(SIGLEC6):c.292G>T (p.Asp98Tyr)

Gene: SIGLEC6 (sialic acid binding Ig like lectin 6; minus strand). Cytogenetic location: 19q13.41.
Variant type: single nucleotide variant.
Coding change: c.292G>T on transcript NM_001245.7 (MANE Select); coding-DNA position 292, G replaced by T.
Protein change: p.Asp98Tyr; replaces aspartic acid 98 with tyrosine.
Molecular consequence: missense variant.
Genome position (GRCh38, 1-based): chr19:51,531,295, C>A on the plus strand (G>T on the coding strand, the complement: SIGLEC6 is on the minus strand). VCF-style: chr19-51531295-C-A. GRCh37 (hg19) VCF-style: chr19-52034549-C-A.
Other names: NC_000019.9:g.52034549C>A; c.184G>T, p.Asp62Tyr (NM_001177547.3); c.292G>T, p.Asp98Tyr (NM_001177548.3, NM_001177549.3, NM_198845.6 and 1 more transcripts); short protein forms D98Y, D62Y.
Identifiers: ClinVar variation 789352 (VCV000789352.29), dbSNP rs62617068, ClinGen allele CA9614283.
Genomic context (GRCh38, chr19:51,531,295, plus strand): 5'-CAGCATTGTCCCTCCTCCGGGCATCTCTGATGCTCAGGGAGCAGTTCTTCCTTCTGGGAT[C>A]CCAGAGGAGGTGGAATCGGCCCCGGGTCTCCTCCTGCACTTCTTCGTCTGGGTCGTTTGT-3'
Protein context (NP_001236.4, residues 88-108): ETRGRFHLLW[Asp98Tyr]PRRKNCSLSI

ClinVar aggregate classification (germline): Benign. Review status: criteria provided, multiple submitters, no conflicts (2 of 4 stars). 3 submissions from 3 submitters: Benign (3). Last evaluated 2023-04-01.

Allele frequency attached by ClinVar (database versions not stated): 1000 Genomes Project 0.00479; 1000 Genomes Project 30x 0.00484; gnomAD 0.00822 and 0.00825; TOPMed 0.00830; ExAC 0.00860; gnomAD exomes 0.00881 and 0.01095; ESP Exome Variant Server 0.00902.
gnomAD v4.1: 17,343 of 1,614,190 alleles (1.1%); highest among the groups gnomAD compares: Middle Eastern, 2.5%; 141 homozygotes.

Submissions (10):

CeGaT Center for Human Genetics Tuebingen
Classification: Benign. Last evaluated: 2023-04-01. Review status: criteria provided, single submitter. Criteria: CeGaT Center For Human Genetics Tuebingen Variant Classification Criteria Version 2. Collection method: clinical testing. Allele origin: germline. Affected: yes. Observed: 2 variant alleles.
Comment: SIGLEC6: BP4, BS1, BS2

Labcorp Genetics (formerly Invitae), Labcorp
Classification: Benign. Last evaluated: 2018-12-21. Review status: criteria provided, single submitter. Criteria: Invitae Variant Classification Sherloc (09022015). Collection method: clinical testing. Allele origin: germline.

Breakthrough Genomics
Classification: Benign. Review status: criteria provided, single submitter. Criteria: ACMG Guidelines, 2015. Collection method: not provided. Allele origin: germline. Inheritance: Unknown mechanism. Affected: yes.

Dr. Peter K. Rogan Lab, Western University
No classification provided (evidence only). Condition: Clear cell carcinoma of kidney. Review status: no classification provided. Collection method: in vitro. Allele origin: not applicable. Functional consequence: retained intron. Not counted in ClinVar's aggregate classification.

Dr. Peter K. Rogan Lab, Western University
No classification provided (evidence only). Condition: Clear cell carcinoma of kidney. Review status: no classification provided. Collection method: in vitro. Allele origin: not applicable. Functional consequence: retained intron. Not counted in ClinVar's aggregate classification.

Dr. Peter K. Rogan Lab, Western University
No classification provided (evidence only). Condition: Lung cancer. Review status: no classification provided. Collection method: in vitro. Allele origin: not applicable. Functional consequence: retained intron. Not counted in ClinVar's aggregate classification.

Dr. Peter K. Rogan Lab, Western University
No classification provided (evidence only). Condition: Familial cancer of breast. Review status: no classification provided. Collection method: in vitro. Allele origin: not applicable. Functional consequence: retained intron. Not counted in ClinVar's aggregate classification.

Dr. Peter K. Rogan Lab, Western University
No classification provided (evidence only). Condition: Thyroid cancer, nonmedullary, 1. Review status: no classification provided. Collection method: in vitro. Allele origin: not applicable. Functional consequence: retained intron. Not counted in ClinVar's aggregate classification.

Dr. Peter K. Rogan Lab, Western University
No classification provided (evidence only). Condition: Uterine corpus endometrial carcinoma. Review status: no classification provided. Collection method: in vitro. Allele origin: not applicable. Functional consequence: retained intron. Not counted in ClinVar's aggregate classification.

Dr. Peter K. Rogan Lab, Western University
No classification provided (evidence only). Condition: Malignant lymphoma, large B-cell, diffuse. Review status: no classification provided. Collection method: in vitro. Allele origin: not applicable. Functional consequence: retained intron. Not counted in ClinVar's aggregate classification.